The following is an entry in ClinVar:

NM_173354.5(SIK1):c.1120-5C>A

Gene: SIK1 (salt inducible kinase 1; minus strand). Cytogenetic location: 21q22.3.
Variant type: single nucleotide variant.
Coding change: c.1120-5C>A on transcript NM_173354.5 (MANE Select); 5 bases into the intron before coding-DNA position 1120, C replaced by A.
Molecular consequence: intron variant.
Genome position (GRCh38, 1-based): chr21:43,419,483, G>T on the plus strand (C>A on the coding strand, the complement: SIK1 is on the minus strand). VCF-style: chr21-43419483-G-T. GRCh37 (hg19) VCF-style: chr21-44839363-G-T.
Identifiers: ClinVar variation 3318520 (VCV003318520.1).

ClinVar aggregate classification (germline): Uncertain significance (1 of 4 stars; one submission).

Conditions:
Inborn genetic diseases. Identifiers: MedGen C0950123, MeSH D030342.

Submission:

Ambry Genetics
Classification: Uncertain significance for Inborn genetic diseases. Last evaluated: 2024-05-01. Review status: criteria provided, single submitter. Criteria: Ambry Variant Classification Scheme 2023. Collection method: clinical testing. Allele origin: germline.
Comment: The c.1120-5C>A intronic alteration consists of a C to A substitution 5 nucleotides before coding exon 9 in the SIK1 gene. Based on insufficient or conflicting evidence, the clinical significance of this alteration remains unclear.